The following is an entry in ClinVar:

ClinVar aggregate classification (germline): Uncertain significance (1 of 4 stars; one submission).

Conditions:
Deficiency of malonyl-CoA decarboxylase. Also called: Malonic aciduria; MCD deficiency. Identifiers: Orphanet 943, MedGen C0342793, MONDO:0009556, OMIM 248360.

Allele frequency attached by ClinVar (database versions not stated): gnomAD exomes below 0.00001 and 0.00001.

Submission:

Labcorp Genetics (formerly Invitae), Labcorp
Classification: Uncertain significance for Deficiency of malonyl-CoA decarboxylase. Last evaluated: 2021-08-24. Review status: criteria provided, single submitter. Criteria: Invitae Variant Classification Sherloc (09022015). Collection method: clinical testing. Allele origin: germline.
Comment: This sequence change replaces valine with isoleucine at codon 252 of the MLYCD protein (p.Val252Ile). The valine residue is highly conserved and there is a small physicochemical difference between valine and isoleucine. This variant is not present in population databases (ExAC no frequency). This variant has not been reported in the literature in individuals affected with MLYCD-related conditions. Algorithms developed to predict the effect of missense changes on protein structure and function output the following: SIFT: "Tolerated"; PolyPhen-2: "Benign"; Align-GVGD: "Class C0". The isoleucine amino acid residue is found in multiple mammalian species, which suggests that this missense change does not adversely affect protein function. In summary, the available evidence is currently insufficient to determine the role of this variant in disease. Therefore, it has been classified as a Variant of Uncertain Significance.

NM_012213.3(MLYCD):c.754G>A (p.Val252Ile)

Gene: MLYCD (malonyl-CoA decarboxylase; plus strand). Cytogenetic location: 16q23.3.
Variant type: single nucleotide variant.
Coding change: c.754G>A on transcript NM_012213.3 (MANE Select); coding-DNA position 754, G replaced by A.
Protein change: p.Val252Ile; replaces valine 252 with isoleucine.
Molecular consequence: missense variant.
Genome position (GRCh38, 1-based): chr16:83,908,238, G>A. VCF-style: chr16-83908238-G-A. GRCh37 (hg19) VCF-style: chr16-83941843-G-A.
Other names: short protein forms V252I.
Identifiers: ClinVar variation 460446 (VCV000460446.6), dbSNP rs1555538351, ClinGen allele CA396919008.